The following is an entry in ClinVar:

ClinVar aggregate classification (germline): Uncertain significance (1 of 4 stars; one submission).

Conditions:
Dystonic disorder. Also called: Dystonia. Identifiers: MedGen C0013421, MONDO:0003441, HP:0001332.

Submission:

Labcorp Genetics (formerly Invitae), Labcorp
Classification: Uncertain significance for Dystonic disorder. Last evaluated: 2025-12-19. Review status: criteria provided, single submitter. Criteria: Invitae Variant Classification Sherloc (09022015). Collection method: clinical testing. Allele origin: germline.
Comment: This sequence change replaces glutamine, which is neutral and polar, with arginine, which is basic and polar, at codon 516 of the ANO3 protein (p.Gln516Arg). This variant is not present in population databases (gnomAD no frequency). This variant has not been reported in the literature in individuals affected with ANO3-related conditions. Invitae Evidence Modeling of protein sequence and biophysical properties (such as structural, functional, and spatial information, amino acid conservation, physicochemical variation, residue mobility, and thermodynamic stability) has been performed for this missense variant. However, the output from this modeling did not meet the statistical confidence thresholds required to predict the impact of this variant on ANO3 protein function. In summary, the available evidence is currently insufficient to determine the role of this variant in disease. Therefore, it has been classified as a Variant of Uncertain Significance.

NM_031418.4(ANO3):c.1547A>G (p.Gln516Arg)

Gene: ANO3 (anoctamin 3; plus strand). Cytogenetic location: 11p14.2.
Variant type: single nucleotide variant.
Coding change: c.1547A>G on transcript NM_031418.4 (MANE Select); coding-DNA position 1547, A replaced by G.
Protein change: p.Gln516Arg; replaces glutamine 516 with arginine.
Molecular consequence: missense variant.
Genome position (GRCh38, 1-based): chr11:26,598,874, A>G. VCF-style: chr11-26598874-A-G. GRCh37 (hg19) VCF-style: chr11-26620421-A-G.
Other names: c.1730A>G, p.Gln577Arg (NM_001313726.2); c.1109A>G, p.Gln370Arg (NM_001313727.2); short protein forms Q370R, Q577R, Q516R.
Identifiers: ClinVar variation 4779327 (VCV004779327.1).
Genomic context (GRCh38, chr11:26,598,874, plus strand): 5'-AGTTTATGGCTTTGATATTTAGATAACTTTCGTTTCTCTCATAGGAAACACTTCGTCCCC[A>G]GTTTGAAGCCAAGTATTACAAGATGGAGATTGTAAATCCCATCACGGGAAAACCTGAACC-3'
Protein context (NP_113606.2, residues 506-526): WEEEEETLRP[Gln516Arg]FEAKYYKMEI